The following is an entry in ClinVar:

ClinVar aggregate classification (germline): Uncertain significance (1 of 4 stars; one submission).

gnomAD v4.1: 1 of 1,520,274 alleles (0.000066%); highest among the groups gnomAD compares: South Asian, 0.0012%; no homozygotes.

Submission:

CeGaT Center for Human Genetics Tuebingen
Classification: Uncertain significance. Last evaluated: 2023-09-01. Review status: criteria provided, single submitter. Criteria: CeGaT Center For Human Genetics Tuebingen Variant Classification Criteria Version 2. Collection method: clinical testing. Allele origin: germline. Affected: yes. Observed: 1 variant allele.
Comment: CAMK2G: PM2, PP2, PP3

NM_001367534.1(CAMK2G):c.26G>A (p.Arg9His)

Genes: CAMK2G (calcium/calmodulin dependent protein kinase II gamma; minus strand), LOC130004098 (ATAC-STARR-seq lymphoblastoid silent region 2492; plus strand). Cytogenetic location: 10q22.2.
Variant type: single nucleotide variant.
Coding change: c.26G>A on transcript NM_001367534.1 (MANE Select); coding-DNA position 26, G replaced by A.
Protein change: p.Arg9His; replaces arginine 9 with histidine.
Molecular consequence: missense variant. On other transcripts: 5 prime UTR variant (6), non-coding transcript variant (8).
Genome position (GRCh38, 1-based): chr10:73,874,436, C>T on the plus strand (G>A on the coding strand, the complement: CAMK2G is on the minus strand). VCF-style: chr10-73874436-C-T. GRCh37 (hg19) VCF-style: chr10-75634194-C-T.
Other names: c.26G>A, p.Arg9His (NM_001204492.2, NM_001222.4, NM_001320898.2 and 31 more transcripts); c.-166G>A (NM_001367524.1, NM_001367537.1, NM_001367538.1 and 1 more transcripts); c.-546G>A (NM_001367540.1); c.-862G>A (NM_001367542.1); short protein forms R9H.
Identifiers: ClinVar variation 2640595 (VCV002640595.24), dbSNP rs2549121389, ClinGen allele CA377258695.
Genomic context (GRCh38, chr10:73,874,436, plus strand): 5'-ACCGCGGCGGGCGGGCCGTACTTGCCAAGCTCCTCGAAGAGCTGGTAGTCGTCGGTGAAA[C>T]GGGTGCAGGTGGCGGTGGTGGCCATGCTGGCGGGCGGGCGGACGCGGCGGTGCAGCCCGC-3'
Protein context (NP_001354463.1, residues 1-19): MATTATCT[Arg9His]FTDDYQLFEE